The following is an entry in ClinVar:

NM_181332.3(NLGN4X):c.2041G>A (p.Val681Ile)

Gene: NLGN4X (neuroligin 4 X-linked; minus strand). Cytogenetic location: Xp22.32.
Variant type: single nucleotide variant.
Coding change: c.2041G>A on transcript NM_181332.3 (MANE Select); coding-DNA position 2041, G replaced by A.
Protein change: p.Val681Ile; replaces valine 681 with isoleucine.
Molecular consequence: missense variant.
Genome position (GRCh38, 1-based): chrX:5,893,227, C>T on the plus strand (G>A on the coding strand, the complement: NLGN4X is on the minus strand). VCF-style: chrX-5893227-C-T. GRCh37 (hg19) VCF-style: chrX-5811268-C-T.
Other names: c.2041G>A, p.Val681Ile (NM_001282145.2, NM_001282146.2, NM_020742.4); short protein forms V681I.
Identifiers: ClinVar variation 1202792 (VCV001202792.5), dbSNP rs773637232, ClinGen allele CA10340942.

ClinVar aggregate classification (germline): Uncertain significance (1 of 4 stars; one submission).

Allele frequency attached by ClinVar (database versions not stated): gnomAD exomes below 0.00001 and 0.00001; ExAC 0.00001.

Submission:

GeneDx
Classification: Uncertain significance. Last evaluated: 2022-01-25. Review status: criteria provided, single submitter. Criteria: GeneDx Variant Classification Process June 2021. Collection method: clinical testing. Allele origin: germline. Affected: yes.
Comment: In silico analysis supports that this missense variant does not alter protein structure/function; Has not been previously published as pathogenic or benign to our knowledge